The following is an entry in ClinVar:

NM_005611.4(RBL2):c.1087G>A (p.Gly363Arg)

Gene: RBL2 (RB transcriptional corepressor like 2; plus strand). Cytogenetic location: 16q12.2.
Variant type: single nucleotide variant.
Coding change: c.1087G>A on transcript NM_005611.4 (MANE Select); coding-DNA position 1087, G replaced by A.
Protein change: p.Gly363Arg; replaces glycine 363 with arginine.
Molecular consequence: missense variant.
Genome position (GRCh38, 1-based): chr16:53,454,750, G>A. VCF-style: chr16-53454750-G-A. GRCh37 (hg19) VCF-style: chr16-53488662-G-A.
Other names: c.1087G>A, p.Gly363Arg (NM_001323608.2, NM_001323609.2, NM_001323610.2); c.865G>A, p.Gly289Arg (NM_001323611.1); short protein forms G289R, G363R.
Identifiers: ClinVar variation 4076367 (VCV004076367.1).

ClinVar aggregate classification (germline): Uncertain significance (1 of 4 stars; one submission).

Conditions:
Brunet-Wagner neurodevelopmental syndrome (BRUWAG). Identifiers: MedGen C5562056, MONDO:0859217, OMIM 619690.

Submission:

Laboratorio de Genetica e Diagnostico Molecular, Hospital Israelita Albert Einstein
Classification: Uncertain significance for Brunet-Wagner neurodevelopmental syndrome. Last evaluated: 2025-05-09. Review status: criteria provided, single submitter. Criteria: ACMG Guidelines, 2015. Collection method: clinical testing. Allele origin: germline. Affected: yes.
Comment: ACMG classification criteria: PM2 supporting, PP3 supporting